The following is an entry in ClinVar:

NM_002299.4(LCT):c.4458G>C (p.Gln1486His)

Gene: LCT (lactase; minus strand). Cytogenetic location: 2q21.3.
Variant type: single nucleotide variant.
Coding change: c.4458G>C on transcript NM_002299.4 (MANE Select); coding-DNA position 4458, G replaced by C.
Protein change: p.Gln1486His; replaces glutamine 1486 with histidine.
Molecular consequence: missense variant.
Genome position (GRCh38, 1-based): chr2:135,804,773, C>G on the plus strand (G>C on the coding strand, the complement: LCT is on the minus strand). VCF-style: chr2-135804773-C-G. GRCh37 (hg19) VCF-style: chr2-136562343-C-G.
Other names: c.4458G>C (NM_002299.2); short protein forms Q1486H.
Identifiers: ClinVar variation 1421745 (VCV001421745.8), dbSNP rs141940289, ClinGen allele CA1887853.

ClinVar aggregate classification (germline): Uncertain significance. Review status: criteria provided, multiple submitters, no conflicts (2 of 4 stars). 2 submissions from 2 submitters: Uncertain significance (2). Last evaluated 2024-11-20.

Conditions:
Inborn genetic diseases. Identifiers: MedGen C0950123, MeSH D030342.

Allele frequency attached by ClinVar (database versions not stated): gnomAD exomes 0.00001 and 0.00002; ExAC 0.00004; gnomAD 0.00013 and 0.00015; TOPMed 0.00014; ESP Exome Variant Server 0.00015.
gnomAD v4.1: 33 of 1,612,510 alleles (0.002%); highest among the groups gnomAD compares: African/African-American, 0.043%; no homozygotes.

Submissions (2):

Ambry Genetics
Classification: Uncertain significance for Inborn genetic diseases. Last evaluated: 2024-11-20. Review status: criteria provided, single submitter. Criteria: Ambry Variant Classification Scheme 2023. Collection method: clinical testing. Allele origin: germline.

Labcorp Genetics (formerly Invitae), Labcorp
Classification: Uncertain significance. Last evaluated: 2023-10-13. Review status: criteria provided, single submitter. Criteria: Invitae Variant Classification Sherloc (09022015). Collection method: clinical testing. Allele origin: germline.
Comment: This sequence change replaces glutamine with histidine at codon 1486 of the LCT protein (p.Gln1486His). The glutamine residue is weakly conserved and there is a small physicochemical difference between glutamine and histidine. This variant is present in population databases (rs141940289, gnomAD 0.02%). This variant has not been reported in the literature in individuals affected with LCT-related conditions. ClinVar contains an entry for this variant (Variation ID: 1421745). Advanced modeling of protein sequence and biophysical properties (such as structural, functional, and spatial information, amino acid conservation, physicochemical variation, residue mobility, and thermodynamic stability) has been performed at Invitae for this missense variant, however the output from this modeling did not meet the statistical confidence thresholds required to predict the impact of this variant on LCT protein function. In summary, the available evidence is currently insufficient to determine the role of this variant in disease. Therefore, it has been classified as a Variant of Uncertain Significance.